The following is an entry in ClinVar:

NM_014915.3(ANKRD26):c.40G>A (p.Gly14Ser)

Genes: ANKRD26 (ankyrin repeat domain 26; minus strand), LOC130003554 (ATAC-STARR-seq lymphoblastoid silent region 2243; plus strand). Cytogenetic location: 10p12.1.
Variant type: single nucleotide variant.
Coding change: c.40G>A on transcript NM_014915.3 (MANE Select); coding-DNA position 40, G replaced by A.
Protein change: p.Gly14Ser; replaces glycine 14 with serine.
Molecular consequence: missense variant.
Genome position (GRCh38, 1-based): chr10:27,100,287, C>T on the plus strand (G>A on the coding strand, the complement: ANKRD26 is on the minus strand). VCF-style: chr10-27100287-C-T. GRCh37 (hg19) VCF-style: chr10-27389216-C-T.
Other names: p.Gly14Ser; c.40G>A, p.Gly14Ser (NM_001256053.2); short protein forms G14S.
Identifiers: ClinVar variation 712488 (VCV000712488.23), dbSNP rs201068693, ClinGen allele CA5449089.

ClinVar aggregate classification (germline): Conflicting classifications of pathogenicity. Review status: criteria provided, conflicting classifications (1 of 4 stars). 9 submissions from 9 submitters: Uncertain significance (1); Benign (5); Likely benign (3). Last evaluated 2025-10-14.

Conditions:
Inborn genetic diseases. Identifiers: MedGen C0950123, MeSH D030342.
Thrombocytopenia 2 (THC2). Also called: ANKRD26-Related Thrombocytopenia. Identifiers: Orphanet 268322, MedGen C1861185, MONDO:0008555, OMIM 188000.

Allele frequency attached by ClinVar (database versions not stated): ExAC 0.00059; 1000 Genomes Project 30x 0.00094; 1000 Genomes Project 0.00100; ESP Exome Variant Server 0.00152; gnomAD 0.00179 and 0.00192; TOPMed 0.00192.
gnomAD v4.1: 533 of 1,610,178 alleles (0.033%); highest among the groups gnomAD compares: African/African-American, 0.64%; no homozygotes.

Submissions (9):

Labcorp Genetics (formerly Invitae), Labcorp
Classification: Benign. Last evaluated: 2025-10-14. Review status: criteria provided, single submitter. Criteria: Invitae Variant Classification Sherloc (09022015). Collection method: clinical testing. Allele origin: germline.

Mayo Clinic Laboratories, Mayo Clinic
Classification: Benign. Last evaluated: 2025-08-13. Review status: criteria provided, single submitter. Criteria: ACMG Guidelines, 2015. Collection method: clinical testing. Allele origin: germline. Observed: 1 variant allele.
Comment: BS1, BP4_strong

Ambry Genetics
Classification: Uncertain significance for Inborn genetic diseases. Last evaluated: 2024-10-04. Review status: criteria provided, single submitter. Criteria: Ambry Variant Classification Scheme 2023. Collection method: clinical testing. Allele origin: germline.
Comment: The p.G14S variant (also known as c.40G>A), located in coding exon 1 of the ANKRD26 gene, results from a G to A substitution at nucleotide position 40. The glycine at codon 14 is replaced by serine, an amino acid with similar properties. This amino acid position is conserved. In addition, this alteration is predicted to be tolerated by in silico analysis. Based on the available evidence, the clinical significance of this variant remains unclear.

Blueprint Genetics
Classification: Likely benign. Last evaluated: 2024-09-23. Review status: criteria provided, single submitter. Criteria: ACMG Guidelines, 2015. Collection method: clinical testing. Allele origin: germline.

ARUP Laboratories, Molecular Genetics and Genomics, ARUP Laboratories
Classification: Likely benign for Thrombocytopenia 2. Last evaluated: 2024-04-19. Review status: criteria provided, single submitter. Criteria: ARUP Molecular Germline Variant Investigation Process 2024. Collection method: clinical testing. Allele origin: germline.

Genome-Nilou Lab
Classification: Benign for Thrombocytopenia 2. Last evaluated: 2021-12-05. Review status: criteria provided, single submitter. Criteria: ACMG Guidelines, 2015. Collection method: clinical testing. Allele origin: germline. Affected: no.

GeneDx
Classification: Likely benign. Last evaluated: 2020-11-24. Review status: criteria provided, single submitter. Criteria: GeneDx Variant Classification Process June 2021. Collection method: clinical testing. Allele origin: germline. Affected: yes.

Genetic Services Laboratory, University of Chicago
Classification: Benign. Last evaluated: 2018-01-25. Review status: criteria provided, single submitter. Criteria: ACMG Guidelines, 2015. Collection method: clinical testing. Allele origin: germline. Affected: no.

Illumina Laboratory Services, Illumina
Classification: Benign for Thrombocytopenia 2. Last evaluated: 2018-01-13. Review status: criteria provided, single submitter. Criteria: ICSL Variant Classification Criteria 13 December 2019. Collection method: clinical testing. Allele origin: germline.
Comment: This variant was observed in the ICSL laboratory as part of a predisposition screen in an ostensibly healthy population. It had not been previously curated by ICSL or reported in the Human Gene Mutation Database (HGMD: prior to June 1st, 2018), and was therefore a candidate for classification through an automated scoring system. Utilizing variant allele frequency, disease prevalence and penetrance estimates, and inheritance mode, an automated score was calculated to assess if this variant is too frequent to cause the disease. Based on the score and internal cut-off values, a variant classified as benign is not then subjected to further curation. The score for this variant resulted in a classification of benign for this disease.